The following is an entry in ClinVar:

NM_182914.3(SYNE2):c.1008G>T (p.Met336Ile)

Gene: SYNE2 (spectrin repeat containing nuclear envelope protein 2; plus strand). Cytogenetic location: 14q23.2.
Variant type: single nucleotide variant.
Coding change: c.1008G>T on transcript NM_182914.3 (MANE Select); coding-DNA position 1008, G replaced by T.
Protein change: p.Met336Ile; replaces methionine 336 with isoleucine.
Molecular consequence: missense variant.
Genome position (GRCh38, 1-based): chr14:63,967,726, G>T. VCF-style: chr14-63967726-G-T. GRCh37 (hg19) VCF-style: chr14-64434444-G-T.
Other names: c.1008G>T, p.Met336Ile (NM_015180.6); short protein forms M336I.
Identifiers: ClinVar variation 2199649 (VCV002199649.4), dbSNP rs769505120, ClinGen allele CA7219306.

ClinVar aggregate classification (germline): Uncertain significance (1 of 4 stars; one submission).

Conditions:
Emery-Dreifuss muscular dystrophy 5, autosomal dominant (EDMD5). Also called: EMERY-DREIFUSS MUSCULAR DYSTROPHY 5. Identifiers: Orphanet 261, MedGen C2751805, MONDO:0013072, OMIM 612999.

Allele frequency attached by ClinVar (database versions not stated): gnomAD exomes below 0.00001; ExAC 0.00001.
gnomAD v4.1: 1 of 1,614,060 alleles (0.000062%); highest among the groups gnomAD compares: Non-Finnish European, 0.000085%; no homozygotes.

Submission:

Labcorp Genetics (formerly Invitae), Labcorp
Classification: Uncertain significance for Emery-Dreifuss muscular dystrophy 5, autosomal dominant. Last evaluated: 2022-07-28. Review status: criteria provided, single submitter. Criteria: Invitae Variant Classification Sherloc (09022015). Collection method: clinical testing. Allele origin: germline.
Comment: This variant has not been reported in the literature in individuals affected with SYNE2-related conditions. Algorithms developed to predict the effect of missense changes on protein structure and function (SIFT, PolyPhen-2, Align-GVGD) all suggest that this variant is likely to be tolerated. In summary, the available evidence is currently insufficient to determine the role of this variant in disease. Therefore, it has been classified as a Variant of Uncertain Significance. This variant is present in population databases (rs769505120, gnomAD 0.0009%). This sequence change replaces methionine, which is neutral and non-polar, with isoleucine, which is neutral and non-polar, at codon 336 of the SYNE2 protein (p.Met336Ile).